The following is an entry in ClinVar:

ClinVar aggregate classification (germline): Likely pathogenic (1 of 4 stars; one submission).

Conditions:
Autosomal recessive limb-girdle muscular dystrophy type 2C (LGMDR5). Also called: MUSCULAR DYSTROPHY, LIMB-GIRDLE, AUTOSOMAL RECESSIVE 5; MUSCULAR DYSTROPHY, DUCHENNE-LIKE. Identifiers: Orphanet 353, MedGen C0410173, MONDO:0009677, OMIM 253700. Disease mechanism: Affects gamma-sarcoglycan and also disrupts the integrity of the entire sarcoglycan complex..

Submission:

Department of Molecular Genetics, Istishari Arab Hospital
Classification: Likely pathogenic for Autosomal recessive limb-girdle muscular dystrophy type 2C. Last evaluated: 2026-07-22. Review status: criteria provided, single submitter. Criteria: ACMG Guidelines, 2015. Collection method: clinical testing. Allele origin: germline. Inheritance: Autosomal recessive inheritance. Affected: yes.
Comment: The SGCG variant c.266C>T p.(Pro89Leu) causes an amino acid change from Pro to Leu at position 89. It is classified as likely pathogenic according to the recommendations of ACMG/AMP/ClinGen SVI guidelines.

NM_000231.3(SGCG):c.266C>T (p.Pro89Leu)

Gene: SGCG (sarcoglycan gamma; plus strand). Cytogenetic location: 13q12.12.
Variant type: single nucleotide variant.
Coding change: c.266C>T on transcript NM_000231.3 (MANE Select); coding-DNA position 266, C replaced by T.
Protein change: p.Pro89Leu; replaces proline 89 with leucine.
Molecular consequence: missense variant.
Genome position (GRCh38, 1-based): chr13:23,234,681, C>T. VCF-style: chr13-23234681-C-T. GRCh37 (hg19) VCF-style: chr13-23808820-C-T.
Other names: p.Pro89Leu; c.320C>T, p.Pro107Leu (NM_001378244.1); c.266C>T, p.Pro89Leu (NM_001378245.1, NM_001378246.1); short protein forms P107L, P89L.
Identifiers: ClinVar variation 4880038 (VCV004880038.1).